The following is an entry in ClinVar:

NM_001127392.3(MYRF):c.2098G>A (p.Glu700Lys)

Gene: MYRF (myelin regulatory factor; plus strand). Cytogenetic location: 11q12.2.
Variant type: single nucleotide variant.
Coding change: c.2098G>A on transcript NM_001127392.3 (MANE Select); coding-DNA position 2098, G replaced by A.
Protein change: p.Glu700Lys; replaces glutamic acid 700 with lysine.
Molecular consequence: missense variant.
Genome position (GRCh38, 1-based): chr11:61,779,347, G>A. VCF-style: chr11-61779347-G-A. GRCh37 (hg19) VCF-style: chr11-61546819-G-A.
Other names: c.2071G>A, p.Glu691Lys (NM_013279.4); short protein forms E691K, E700K.
Identifiers: ClinVar variation 1301891 (VCV001301891.1), dbSNP rs2135856808, ClinGen allele CA380858428.
Genomic context (GRCh38, chr11:61,779,347, plus strand): 5'-GGGGCCGTGAAGGAGCTGTGCAAGCTGACAGACAACCTGGAGACGCGCATTGATGAGCTG[G>A]AGCGCTGGAGCCACAAGCTGGCCAAGCTGCGGCGGCTCGACAGCCTCAAGTCCACCGGCA-3'
Protein context (NP_001120864.1, residues 690-710): DNLETRIDEL[Glu700Lys]RWSHKLAKLR

ClinVar aggregate classification (germline): Likely pathogenic (1 of 4 stars; one submission).

Conditions:
MYRF-related disorder. Also called: MYRF-related condition; MYRF-related disorders.

Submission:

Rady Children's Institute for Genomic Medicine, Rady Children's Hospital San Diego
Classification: Likely pathogenic for MYRF-Related Disorders. Last evaluated: 2020-08-02. Review status: criteria provided, single submitter. Criteria: ACMG Guidelines, 2015. Collection method: clinical testing. Allele origin: germline. Affected: yes.
Comment: This variant has not been previously reported or functionally characterized in the literature to our knowledge. It is absent from the gnomAD population database and thus is presumed to be rare. The c.2098G>A (p.Glu700Lys) variant affects a highly conserved amino acid and in silico analyses support a deleterious effect of the variant on protein function. Analysis of the parental samples was negative for the variant, indicating this variant likely occurred as a de novo event. Based on the available evidence, the c.2098G>A (p.Glu700Lys) variant is classified as Likely Pathogenic.